The following is an entry in ClinVar:

NM_017875.4(SLC25A38):c.349C>T (p.Arg117Ter)

Gene: SLC25A38 (solute carrier family 25 member 38; plus strand). Cytogenetic location: 3p22.1.
Variant type: single nucleotide variant.
Coding change: c.349C>T on transcript NM_017875.4 (MANE Select); coding-DNA position 349, C replaced by T.
Protein change: p.Arg117Ter; replaces arginine 117 with a stop codon.
Molecular consequence: nonsense.
Genome position (GRCh38, 1-based): chr3:39,391,513, C>T. VCF-style: chr3-39391513-C-T. GRCh37 (hg19) VCF-style: chr3-39433004-C-T.
Other names: c.349C>T, p.Arg117Ter (NM_001354798.2, LRG_1133t1); short protein forms R117*.
Identifiers: ClinVar variation 1118 (VCV000001118.7), dbSNP rs121918330, ClinGen allele CA114771.

ClinVar aggregate classification (germline): Pathogenic. Review status: criteria provided, multiple submitters, no conflicts (2 of 4 stars). 4 submissions from 4 submitters: Pathogenic (3). 1 of the submissions does not count toward it. Last evaluated 2026-07-27.

Conditions:
Sideroblastic anemia 2. Also called: Anemia, sideroblastic, 2, pyridoxine-refractory. Identifiers: Orphanet 260305, MedGen C4225425, MONDO:0008785, OMIM 205950.

Allele frequency attached by ClinVar (database versions not stated): TOPMed 0.00006; ExAC 0.00002; gnomAD 0.00005 and 0.00004; gnomAD exomes 0.00002.
gnomAD v4.1: 33 of 1,614,062 alleles (0.002%); highest among the groups gnomAD compares: Admixed American, 0.0067%; no homozygotes.

Submissions (4):

GeneDx
Classification: Pathogenic. Last evaluated: 2026-07-27. Review status: criteria provided, single submitter. Criteria: GeneDx Variant Classification Process June 2021. Collection method: clinical testing. Allele origin: germline.
Comment: Nonsense variant predicted to result in protein truncation or nonsense mediated decay in a gene for which loss-of-function is a known mechanism of disease; Not observed at significant frequency in large population cohorts (gnomAD); This variant is associated with the following publications: (PMID: 28772256, 25525159, 31589614, 32605921, 38556258, 19412178)

Labcorp Genetics (formerly Invitae), Labcorp
Classification: Pathogenic. Last evaluated: 2025-11-18. Review status: criteria provided, single submitter. Criteria: Invitae Variant Classification Sherloc (09022015). Collection method: clinical testing. Allele origin: germline.
Comment: This sequence change creates a premature translational stop signal (p.Arg117*) in the SLC25A38 gene. It is expected to result in an absent or disrupted protein product. Loss-of-function variants in SLC25A38 are known to be pathogenic (PMID: 19412178, 25985931). This variant is present in population databases (rs121918330, gnomAD 0.004%). This premature translational stop signal has been observed in individual(s) with sideroblastic anemia (PMID: 19412178, 21393332, 32605921). ClinVar contains an entry for this variant (Variation ID: 1118). Algorithms developed to predict the effect of sequence changes on RNA splicing suggest that this variant may disrupt the consensus splice site. For these reasons, this variant has been classified as Pathogenic.

Mark Fleming Laboratory, Boston Children's Hospital
Classification: Pathogenic for Sideroblastic anemia 2. Last evaluated: 2021-06-01. Review status: criteria provided, single submitter. Criteria: ACMG Guidelines, 2015. Collection method: research. Allele origin: germline. Affected: yes.

OMIM
Classification: Pathogenic for ANEMIA, SIDEROBLASTIC, 2, PYRIDOXINE-REFRACTORY. Last evaluated: 2009-06-01. Review status: no assertion criteria provided. Collection method: literature only. Allele origin: germline. Not counted in ClinVar's aggregate classification.

Literature cited by the submitters: PubMed 19412178 (cited by 3 submitters); PubMed 25985931 (cited by Labcorp Genetics (formerly Invitae), Labcorp); PubMed 21393332 (cited by Labcorp Genetics (formerly Invitae), Labcorp and Mark Fleming Laboratory, Boston Children's Hospital); PubMed 32605921 (cited by Labcorp Genetics (formerly Invitae), Labcorp and Mark Fleming Laboratory, Boston Children's Hospital); PubMed 31338833 (cited by Mark Fleming Laboratory, Boston Children's Hospital); PubMed 26636621 (cited by Mark Fleming Laboratory, Boston Children's Hospital); PubMed 28772256 (cited by Mark Fleming Laboratory, Boston Children's Hospital).